The following is an entry in ClinVar:

NM_016169.4(SUFU):c.1365+1G>A

Gene: SUFU (SUFU negative regulator of hedgehog signaling; plus strand). Cytogenetic location: 10q24.32.
Variant type: single nucleotide variant.
Coding change: c.1365+1G>A on transcript NM_016169.4 (MANE Select); the canonical splice donor site of the intron after coding-DNA position 1365, G replaced by A.
Molecular consequence: splice donor variant.
Genome position (GRCh38, 1-based): chr10:102,627,244, G>A. VCF-style: chr10-102627244-G-A. GRCh37 (hg19) VCF-style: chr10-104387001-G-A.
Identifiers: ClinVar variation 1042780 (VCV001042780.7), dbSNP rs2063794106, ClinGen allele CA377918877.

ClinVar aggregate classification (germline): Likely pathogenic (1 of 4 stars; one submission).

Conditions:
Medulloblastoma (MDB). Also called: MEDULLOBLASTOMA PREDISPOSITION SYNDROME; Medulloblastoma, somatic. Identifiers: Orphanet 616, MedGen C0025149, MeSH D008527, MONDO:0007959, OMIM 155255, HP:0002885.
Gorlin syndrome. Also called: Nevoid Basal Cell Carcinoma Syndrome; Basal cell nevus syndrome. Identifiers: Orphanet 377, MedGen C0004779, MONDO:0007187.

Submission:

Labcorp Genetics (formerly Invitae), Labcorp
Classification: Likely pathogenic for Gorlin syndrome; Medulloblastoma. Last evaluated: 2021-10-27. Review status: criteria provided, single submitter. Criteria: Invitae Variant Classification Sherloc (09022015). Collection method: clinical testing. Allele origin: germline.
Comment: This sequence change affects a donor splice site in intron 11 of the SUFU gene. RNA analysis indicates that disruption of this splice site induces altered splicing and likely results in a shortened protein product. This variant is not present in population databases (gnomAD no frequency). In summary, the currently available evidence indicates that the variant is pathogenic, but additional data are needed to prove that conclusively. Therefore, this variant has been classified as Likely Pathogenic. Variants that disrupt the consensus splice site are a relatively common cause of aberrant splicing (PMID: 17576681, 9536098). Studies have shown that disruption of this splice site results in skipping of exon 11, but is expected to preserve the integrity of the reading-frame (PMID: 29356994). ClinVar contains an entry for this variant (Variation ID: 1042780). Disruption of this splice site has been observed in individuals with clinical features of Gorlin syndrome (PMID: 29356994; Invitae).

Literature cited by the submitters: PubMed 17576681; PubMed 9536098; PubMed 29356994.